The following is an entry in ClinVar:

ClinVar aggregate classification (germline): Pathogenic. Review status: criteria provided, multiple submitters, no conflicts (2 of 4 stars). 5 submissions from 5 submitters: Pathogenic (4). 1 of the submissions does not count toward it. Last evaluated 2025-05-08.

Conditions:
Metachromatic leukodystrophy (MLD). Also called: Cerebral sclerosis diffuse metachromatic form; Arylsulfatase A Deficiency; CEREBROSIDE SULFATASE DEFICIENCY; METACHROMATIC LEUKOENCEPHALOPATHY; SULFATIDE LIPIDOSIS; ARSA DEFICIENCY. Identifiers: Orphanet 512, MedGen C0023522, MONDO:0018868, OMIM 250100.

Submissions (6):

Labcorp Genetics (formerly Invitae), Labcorp
Classification: Pathogenic for Metachromatic leukodystrophy. Last evaluated: 2025-05-08. Review status: criteria provided, single submitter. Criteria: Invitae Variant Classification Sherloc (09022015). Collection method: clinical testing. Allele origin: germline.
Comment: This sequence change replaces glycine, which is neutral and non-polar, with valine, which is neutral and non-polar, at codon 101 of the ARSA protein (p.Gly101Val). The frequency data for this variant in the population databases is considered unreliable, as metrics indicate poor data quality at this position in the gnomAD database. This missense change has been observed in individual(s) with metachromatic leukodystrophy (PMID: 10477432, 26553228, 27374302, 27779215, 30057904). In at least one individual the data is consistent with being in trans (on the opposite chromosome) from a pathogenic variant. This variant is also known as Gly99Val (445G>T) or Gly15Val. ClinVar contains an entry for this variant (Variation ID: 68129). Invitae Evidence Modeling of protein sequence and biophysical properties (such as structural, functional, and spatial information, amino acid conservation, physicochemical variation, residue mobility, and thermodynamic stability) indicates that this missense variant is expected to disrupt ARSA protein function with a positive predictive value of 95%. For these reasons, this variant has been classified as Pathogenic.

Natera, Inc.
Classification: Pathogenic for Metachromatic leukodystrophy. Last evaluated: 2024-11-21. Review status: criteria provided, single submitter. Criteria: Natera Variant Classification Schema (03/2026). Collection method: clinical testing. Allele origin: germline.
Comment: The c.302G>T variant in ARSA is a missense variant predicted to cause substitution of glycine to valine at amino acid 101. This variant is rare in the general population with a frequency below the threshold expected for the associated phenotype(s). This variant has been observed in one or more individuals affected with the associated recessive disease, as either homozygous or compound heterozygous with a second variant (PMID: 34554397, 26553228, 17560502). Additionally, this variant has been observed to segregate in affected family members (PMID: 17560502). A different variant at the same position has been determined to be Pathogenic or Likely Pathogenic. Computational prediction algorithms indicate this variant is likely to affect gene or protein function. Given the available evidence, this variant is classified as Pathogenic.

Fulgent Genetics
Classification: Pathogenic for Metachromatic leukodystrophy. Last evaluated: 2024-03-11. Review status: criteria provided, single submitter. Criteria: ACMG Guidelines, 2015. Collection method: clinical testing. Allele origin: germline.

Juno Genomics, Hangzhou Juno Genomics, Inc
Classification: Pathogenic for Metachromatic leukodystrophy. Review status: criteria provided, single submitter. Criteria: ACMG Guidelines, 2015. Collection method: clinical testing. Allele origin: germline.
Comment: Absent from controls (or at extremely low frequency if recessive) in Genome Aggregation Database.;Novel missense change at an amino acid residue where a different missense change determined to be pathogenic has been seen before.;Multiple lines of computational evidence support a deleterious effect on the gene or gene product.;For recessive disorders, detected in trans with a pathogenic variant.

Gelb Laboratory, University of Washington
No classification provided (evidence only). Condition: Metachromatic leukodystrophy. Review status: no classification provided. Collection method: in vitro. Allele origin: not applicable. Functional consequence: loss of function. Not counted in ClinVar's aggregate classification.

UniProtKB/Swiss-Prot
No classification provided. Review status: no classification provided. Collection method: not provided. Allele origin: not provided. Not counted in ClinVar's aggregate classification.

Literature cited by the submitters: PubMed 10477432 (cited by Labcorp Genetics (formerly Invitae), Labcorp); PubMed 26553228 (cited by Labcorp Genetics (formerly Invitae), Labcorp and Natera, Inc.); PubMed 27374302 (cited by Labcorp Genetics (formerly Invitae), Labcorp); PubMed 27779215 (cited by Labcorp Genetics (formerly Invitae), Labcorp); PubMed 30057904 (cited by Labcorp Genetics (formerly Invitae), Labcorp); PubMed 34554397 (cited by Natera, Inc.); PubMed 17560502 (cited by Natera, Inc.).

NM_000487.6(ARSA):c.302G>T (p.Gly101Val)

Gene: ARSA (arylsulfatase A; minus strand). Cytogenetic location: 22q13.33.
Variant type: single nucleotide variant.
Coding change: c.302G>T on transcript NM_000487.6 (MANE Select); coding-DNA position 302, G replaced by T.
Protein change: p.Gly101Val; replaces glycine 101 with valine.
Molecular consequence: missense variant.
Genome position (GRCh38, 1-based): chr22:50,627,329, C>A on the plus strand (G>T on the coding strand, the complement: ARSA is on the minus strand). VCF-style: chr22-50627329-C-A. GRCh37 (hg19) VCF-style: chr22-51065757-C-A.
Other names: c.302G>T, p.Gly101Val (NM_001085425.3, NM_001085426.3, NM_001085427.3); c.44G>T, p.Gly15Val (NM_001085428.3, NM_001362782.2); short protein forms G101V, G15V.
Identifiers: ClinVar variation 68129 (VCV000068129.18), dbSNP rs74315455, ClinGen allele CA219014.